The following is an entry in ClinVar:

ClinVar aggregate classification (germline): Likely pathogenic (0 of 4 stars; one submission).

Conditions:
Seizures, benign familial neonatal, 1. Also called: Benign Neonatal Epilepsy 1; KCNQ2-Related Self-Limited Familial Neonatal Epilepsy (SLFNE); Seizures, benign neonatal, 1; KCNQ2-Related Benign Familial Neonatal Epilepsy. Identifiers: Orphanet 1949, MedGen C3149074, MONDO:0007365, OMIM 121200.

Submissions (7):

Diagnostic and Treatment Unit for Congenital Metabolic Diseases, Hopital Clínico Universitario de Santiago de Compostela (CHUS)
Classification: Likely pathogenic for Seizures, benign familial neonatal, 1. Last evaluated: 2021-10-05. Review status: no assertion criteria provided. Collection method: clinical testing. Allele origin: maternal. Inheritance: Autosomal dominant inheritance. Affected: yes. Observed: 1 heterozygote.

Channelopathy-Associated Epilepsy Research Center
No classification provided (evidence only). Condition: Complex neurodevelopmental disorder. Review status: no classification provided. Collection method: literature only. Allele origin: not applicable. Functional consequence: Severe decrease in peak current, Severe slowing of activation, Severe hyperpolarizing shift of voltage dependence of activation. Not counted in ClinVar's aggregate classification.
ClinVar note: "not provided" was previously submitted as the classification for the variant. However, the classification appeared to be based only on an observation of functional data so it was converted to no classification on 2025-07-30.

Channelopathy-Associated Epilepsy Research Center
No classification provided (evidence only). Review status: no classification provided. Collection method: in vitro. Allele origin: not applicable. Functional consequence: Normal peak current. Not counted in ClinVar's aggregate classification.

Channelopathy-Associated Epilepsy Research Center
No classification provided (evidence only). Review status: no classification provided. Collection method: in vitro. Allele origin: not applicable. Functional consequence: Normal peak current. Not counted in ClinVar's aggregate classification.

Channelopathy-Associated Epilepsy Research Center
No classification provided (evidence only). Review status: no classification provided. Collection method: in vitro. Allele origin: not applicable. Functional consequence: Hyperpolarizing shift of voltage dependence of activation. Not counted in ClinVar's aggregate classification.

Channelopathy-Associated Epilepsy Research Center
No classification provided (evidence only). Review status: no classification provided. Collection method: in vitro. Allele origin: not applicable. Functional consequence: Normal slope of activation. Not counted in ClinVar's aggregate classification.

Channelopathy-Associated Epilepsy Research Center
No classification provided (evidence only). Review status: no classification provided. Collection method: in vitro. Allele origin: not applicable. Functional consequence: Slowing of activation. Not counted in ClinVar's aggregate classification.

Literature cited by the submitters: PubMed 35104249 (cited by Channelopathy-Associated Epilepsy Research Center).

NM_172107.4(KCNQ2):c.242T>C (p.Leu81Pro)

Gene: KCNQ2 (potassium voltage-gated channel subfamily Q member 2; minus strand). Cytogenetic location: 20q13.33.
Variant type: single nucleotide variant.
Coding change: c.242T>C on transcript NM_172107.4 (MANE Select); coding-DNA position 242, T replaced by C.
Protein change: p.Leu81Pro; replaces leucine 81 with proline.
Molecular consequence: missense variant.
Genome position (GRCh38, 1-based): chr20:63,472,222, A>G on the plus strand (T>C on the coding strand, the complement: KCNQ2 is on the minus strand). VCF-style: chr20-63472222-A-G. GRCh37 (hg19) VCF-style: chr20-62103575-A-G.
Other names: c.242T>C, p.Leu81Pro (NM_001382235.1, NM_004518.6, NM_172106.3 and 2 more transcripts); short protein forms L81P.
Identifiers: ClinVar variation 1691227 (VCV001691227.5), dbSNP rs2145921196, ClinGen allele CA409635088.
Genomic context (GRCh38, chr20:63,472,222, plus strand): 5'-ACTCACACGTAGGCGTGGTAGATGAACGCCCAGCCGCGCGGCCGCTCCAGCACGTTGTAG[A>G]GGAAATTCTGCAGCTTGCGGTAGAAGGCGTTGCGCTTGGGGGGCTTCCCGGCGCCCGCGC-3'
Protein context (NP_742105.1, residues 71-91): NAFYRKLQNF[Leu81Pro]YNVLERPRGW